The following is an entry in ClinVar:

NM_001698.3(AUH):c.331-20T>A

Gene: AUH (AU RNA binding methylglutaconyl-CoA hydratase; minus strand). Cytogenetic location: 9q22.31.
Variant type: single nucleotide variant.
Coding change: c.331-20T>A on transcript NM_001698.3 (MANE Select); 20 bases into the intron before coding-DNA position 331, T replaced by A.
Molecular consequence: intron variant.
Genome position (GRCh38, 1-based): chr9:91,355,990, A>T on the plus strand (T>A on the coding strand, the complement: AUH is on the minus strand). VCF-style: chr9-91355990-A-T. GRCh37 (hg19) VCF-style: chr9-94118272-A-T.
Other names: c.331-20T>A (NM_001306190.2); c.4-20T>A (NM_001351433.2, NM_001351431.2, NM_001351432.2).
Identifiers: ClinVar variation 1935413 (VCV001935413.5), dbSNP rs1245059584, ClinGen allele CA589436186.

ClinVar aggregate classification (germline): Uncertain significance (1 of 4 stars; one submission).

Conditions:
3-methylglutaconic aciduria type 1 (MGCA1). Identifiers: Orphanet 67046, MedGen C0342727, MONDO:0009610, OMIM 250950.

Allele frequency attached by ClinVar (database versions not stated): gnomAD 0.00001; gnomAD exomes 0.00001.
gnomAD v4.1: 7 of 1,604,988 alleles (0.00044%); highest among the groups gnomAD compares: Non-Finnish European, 0.0006%; no homozygotes.

Submission:

Labcorp Genetics (formerly Invitae), Labcorp
Classification: Uncertain significance for 3-methylglutaconic aciduria type 1. Last evaluated: 2022-07-25. Review status: criteria provided, single submitter. Criteria: Invitae Variant Classification Sherloc (09022015). Collection method: clinical testing. Allele origin: germline.
Comment: In summary, the available evidence is currently insufficient to determine the role of this variant in disease. Therefore, it has been classified as a Variant of Uncertain Significance. Algorithms developed to predict the effect of sequence changes on RNA splicing suggest that this variant may create or strengthen a splice site. This variant has not been reported in the literature in individuals affected with AUH-related conditions. The frequency data for this variant in the population databases is considered unreliable, as metrics indicate poor data quality at this position in the gnomAD database. This sequence change falls in intron 2 of the AUH gene. It does not directly change the encoded amino acid sequence of the AUH protein.